The following is an entry in ClinVar:

NM_000368.5(TSC1):c.1333+7T>A

Gene: TSC1 (TSC complex subunit 1; minus strand). Cytogenetic location: 9q34.13.
Variant type: single nucleotide variant.
Coding change: c.1333+7T>A on transcript NM_000368.5 (MANE Select); 7 bases into the intron after coding-DNA position 1333, T replaced by A.
Molecular consequence: intron variant.
Genome position (GRCh38, 1-based): chr9:132,907,294, A>T on the plus strand (T>A on the coding strand, the complement: TSC1 is on the minus strand). VCF-style: chr9-132907294-A-T. GRCh37 (hg19) VCF-style: chr9-135782681-A-T.
Other names: c.970+7T>A (NM_001362177.2); c.1180+7T>A (NM_001162427.2); c.1330+7T>A (NM_001162426.2).
Identifiers: ClinVar variation 752736 (VCV000752736.10), dbSNP rs1588313945, ClinGen allele CA467592047.

ClinVar aggregate classification (germline): Likely benign. Review status: criteria provided, multiple submitters, no conflicts (2 of 4 stars). 3 submissions from 3 submitters: Likely benign (3). Last evaluated 2025-11-17.

Conditions:
Tuberous sclerosis 1 (TSC1). Identifiers: Orphanet 805, MedGen C1854465, MONDO:0008612, OMIM 191100.

Submissions (3):

Labcorp Genetics (formerly Invitae), Labcorp
Classification: Likely benign for Tuberous sclerosis 1. Last evaluated: 2025-11-17. Review status: criteria provided, single submitter. Criteria: Invitae Variant Classification Sherloc (09022015). Collection method: clinical testing. Allele origin: germline.

Myriad Genetics, Inc.
Classification: Likely benign for Tuberous sclerosis 1. Last evaluated: 2025-04-09. Review status: criteria provided, single submitter. Criteria: Myriad Autosomal Dominant, Autosomal Recessive and X-Linked Classification Criteria (2023). Collection method: clinical testing. Allele origin: unknown.
Comment: This variant is considered likely benign. This variant is intronic and is not expected to impact mRNA splicing.

Blueprint Genetics
Classification: Likely benign. Last evaluated: 2021-05-23. Review status: criteria provided, single submitter. Criteria: ACMG Guidelines, 2015. Collection method: clinical testing. Allele origin: germline.